The following is an entry in ClinVar:

ClinVar aggregate classification (germline): Uncertain significance (1 of 4 stars; one submission).

Conditions:
Cardiovascular phenotype. Identifiers: MedGen CN230736.

gnomAD v4.1: 1 of 1,614,120 alleles (0.000062%); highest among the groups gnomAD compares: Non-Finnish European, 0.000085%; no homozygotes.

Submission:

Ambry Genetics
Classification: Uncertain significance for Cardiovascular phenotype. Last evaluated: 2026-04-27. Review status: criteria provided, single submitter. Criteria: Ambry Variant Classification Scheme 2023. Collection method: clinical testing. Allele origin: germline.
Comment: The p.S312L variant (also known as c.935C>T), located in coding exon 7 of the TBX20 gene, results from a C to T substitution at nucleotide position 935. The serine at codon 312 is replaced by leucine, an amino acid with dissimilar properties. This amino acid position is conserved. In addition, this alteration is predicted to be deleterious by in silico analysis. Based on the available evidence, the clinical significance of this variant remains unclear.

NM_001077653.2(TBX20):c.935C>T (p.Ser312Leu)

Gene: TBX20 (T-box transcription factor 20; minus strand). Cytogenetic location: 7p14.2.
Variant type: single nucleotide variant.
Coding change: c.935C>T on transcript NM_001077653.2 (MANE Select); coding-DNA position 935, C replaced by T.
Protein change: p.Ser312Leu; replaces serine 312 with leucine.
Molecular consequence: missense variant.
Genome position (GRCh38, 1-based): chr7:35,204,538, G>A on the plus strand (C>T on the coding strand, the complement: TBX20 is on the minus strand). VCF-style: chr7-35204538-G-A. GRCh37 (hg19) VCF-style: chr7-35244150-G-A.
Other names: short protein forms S312L.
Identifiers: ClinVar variation 4865344 (VCV004865344.1).